The following is an entry in ClinVar:

ClinVar aggregate classification (germline): Uncertain significance (1 of 4 stars; one submission).

Conditions:
Primary dilated cardiomyopathy (DCM). Also called: Dilated Cardiomyopathy. Identifiers: Orphanet 217604, MedGen C0007193, MeSH D002311, MONDO:0005021, HP:0001644. Inheritance: Various modes of inheritance.
Hypertrophic cardiomyopathy. Also called: HYPERTROPHIC MYOCARDIOPATHY. Identifiers: Orphanet 217569, MedGen C0007194, MeSH D002312, MONDO:0005045, HP:0001639.

Allele frequency attached by ClinVar (database versions not stated): ExAC 0.00001; TOPMed 0.00001; gnomAD 0.00001.
gnomAD v4.1: 36 of 1,614,036 alleles (0.0022%); highest among the groups gnomAD compares: Non-Finnish European, 0.0028%; no homozygotes.

Submission:

Labcorp Genetics (formerly Invitae), Labcorp
Classification: Uncertain significance for Hypertrophic cardiomyopathy; Primary dilated cardiomyopathy. Last evaluated: 2025-04-26. Review status: criteria provided, single submitter. Criteria: Invitae Variant Classification Sherloc (09022015). Collection method: clinical testing. Allele origin: germline.
Comment: This sequence change replaces methionine, which is neutral and non-polar, with threonine, which is neutral and polar, at codon 203 of the PDLIM3 protein (p.Met203Thr). This variant is present in population databases (rs774719040, gnomAD 0.002%). This variant has not been reported in the literature in individuals affected with PDLIM3-related conditions. ClinVar contains an entry for this variant (Variation ID: 2948298). Invitae Evidence Modeling of protein sequence and biophysical properties (such as structural, functional, and spatial information, amino acid conservation, physicochemical variation, residue mobility, and thermodynamic stability) indicates that this missense variant is not expected to disrupt PDLIM3 protein function with a negative predictive value of 80%. In summary, the available evidence is currently insufficient to determine the role of this variant in disease. Therefore, it has been classified as a Variant of Uncertain Significance.

NM_014476.6(PDLIM3):c.608T>C (p.Met203Thr)

Gene: PDLIM3 (PDZ and LIM domain 3; minus strand). Cytogenetic location: 4q35.1.
Variant type: single nucleotide variant.
Coding change: c.608T>C on transcript NM_014476.6 (MANE Select); coding-DNA position 608, T replaced by C.
Protein change: p.Met203Thr; replaces methionine 203 with threonine.
Molecular consequence: missense variant. On other transcripts: intron variant (3).
Genome position (GRCh38, 1-based): chr4:185,508,353, A>G on the plus strand (T>C on the coding strand, the complement: PDLIM3 is on the minus strand). VCF-style: chr4-185508353-A-G. GRCh37 (hg19) VCF-style: chr4-186429507-A-G.
Other names: c.162-1701T>C (NM_001257963.2); c.399-1701T>C (NM_001257962.2); c.519-1701T>C (NM_001114107.5); short protein forms M203T.
Identifiers: ClinVar variation 2948298 (VCV002948298.3), dbSNP rs774719040, ClinGen allele CA3159751.